The following is an entry in ClinVar:

ClinVar aggregate classification (germline): Uncertain significance (1 of 4 stars; one submission).

Conditions:
Primary ciliary dyskinesia. Also called: Ciliary dyskinesia. Identifiers: Orphanet 244, MedGen C0008780, MONDO:0016575, HP:0012265.

Allele frequency attached by ClinVar (database versions not stated): gnomAD exomes below 0.00001; TOPMed below 0.00001.
gnomAD v4.1: 1 of 1,609,950 alleles (0.000062%); highest among the groups gnomAD compares: Non-Finnish European, 0.000085%; no homozygotes.

Submission:

Labcorp Genetics (formerly Invitae), Labcorp
Classification: Uncertain significance for Primary ciliary dyskinesia. Last evaluated: 2021-09-27. Review status: criteria provided, single submitter. Criteria: Invitae Variant Classification Sherloc (09022015). Collection method: clinical testing. Allele origin: germline.
Comment: Algorithms developed to predict the effect of missense changes on protein structure and function output the following: SIFT: "Tolerated"; PolyPhen-2: "Not Available"; Align-GVGD: "Class C0". The arginine amino acid residue is found in multiple mammalian species, which suggests that this missense change does not adversely affect protein function. This variant has not been reported in the literature in individuals affected with DNAH8-related conditions. This variant is not present in population databases (ExAC no frequency). This sequence change replaces histidine with arginine at codon 1258 of the DNAH8 protein (p.His1258Arg). The histidine residue is moderately conserved and there is a small physicochemical difference between histidine and arginine. In summary, the available evidence is currently insufficient to determine the role of this variant in disease. Therefore, it has been classified as a Variant of Uncertain Significance.

NM_001206927.2(DNAH8):c.3773A>G (p.His1258Arg)

Gene: DNAH8 (dynein axonemal heavy chain 8; plus strand). Cytogenetic location: 6p21.2.
Variant type: single nucleotide variant.
Coding change: c.3773A>G on transcript NM_001206927.2 (MANE Select); coding-DNA position 3773, A replaced by G.
Protein change: p.His1258Arg; replaces histidine 1258 with arginine.
Molecular consequence: missense variant.
Genome position (GRCh38, 1-based): chr6:38,823,614, A>G. VCF-style: chr6-38823614-A-G. GRCh37 (hg19) VCF-style: chr6-38791390-A-G.
Other names: c.3122A>G, p.His1041Arg (NM_001371.4); short protein forms H1258R, H1041R.
Identifiers: ClinVar variation 1433901 (VCV001433901.6), dbSNP rs1773065752, ClinGen allele CA363992765.
Genomic context (GRCh38, chr6:38,823,614, plus strand): 5'-TACCACAGGAATTTTTGGCTAACAACCCCTCTCTGACTGAAATCAGATCAGAAATTCTAC[A>G]CTATGCTACTTTTGAACAGGAGATTGATGAGTTGAAGCCTATTATTGTTGTAGGAGCACT-3'
Protein context (NP_001193856.1, residues 1248-1268): SLTEIRSEIL[His1258Arg]YATFEQEIDE